The following is an entry in ClinVar:

NM_001098816.3(TENM4):c.3351T>C (p.Ile1117=)

Gene: TENM4 (teneurin transmembrane protein 4; minus strand). Cytogenetic location: 11q14.1.
Variant type: single nucleotide variant.
Coding change: c.3351T>C on transcript NM_001098816.3 (MANE Select); coding-DNA position 3351, T replaced by C.
Protein change: p.Ile1117=; no amino-acid change (isoleucine 1117 retained).
Molecular consequence: synonymous variant.
Genome position (GRCh38, 1-based): chr11:78,729,431, A>G on the plus strand (T>C on the coding strand, the complement: TENM4 is on the minus strand). VCF-style: chr11-78729431-A-G. GRCh37 (hg19) VCF-style: chr11-78440476-A-G.
Identifiers: ClinVar variation 3049467 (VCV003049467.2), dbSNP rs200129089, ClinGen allele CA6207066.
Genomic context (GRCh38, chr11:78,729,431, plus strand): 5'-CTTACCAAAGGCTTCTGAAAGCCCAAACACCTTCTGGTTGTAGACGTCTGTCTTGTCCCA[A>G]ATGAAATAATAGGACAGGTCTGGGGCTGCAGCGAACCACTTCCTGAAGAGGCGGCCCTCC-3'
Protein context (NP_001092286.2, residues 1107-1127): AAAPDLSYYF[Ile1117=]WDKTDVYNQK

ClinVar aggregate classification (germline): Likely benign (0 of 4 stars; one submission).

Conditions:
TENM4-related disorder. Also called: TENM4-related condition.

Allele frequency attached by ClinVar (database versions not stated): 1000 Genomes Project 0.00040; ESP Exome Variant Server 0.00042; 1000 Genomes Project 30x 0.00047.
gnomAD v4.1: 203 of 1,598,270 alleles (0.013%); highest among the groups gnomAD compares: African/African-American, 0.21%; 3 homozygotes.

Submission:

PreventionGenetics, part of Exact Sciences
Classification: Likely benign for TENM4-related condition. Last evaluated: 2019-07-15. Review status: no assertion criteria provided. Collection method: clinical testing. Allele origin: germline.
Comment: This variant is classified as likely benign based on ACMG/AMP sequence variant interpretation guidelines (Richards et al. 2015 PMID: 25741868, with internal and published modifications).